The following is an entry in ClinVar:

NM_182961.4(SYNE1):c.8663A>T (p.Asp2888Val)

Genes: SYNE1 (spectrin repeat containing nuclear envelope protein 1; minus strand), SYNE1-AS1 (SYNE1 antisense RNA 1; plus strand). Cytogenetic location: 6q25.2.
Variant type: single nucleotide variant.
Coding change: c.8663A>T on transcript NM_182961.4 (MANE Select); coding-DNA position 8663, A replaced by T.
Protein change: p.Asp2888Val; replaces aspartic acid 2888 with valine.
Molecular consequence: missense variant. On other transcripts: non-coding transcript variant (1).
Genome position (GRCh38, 1-based): chr6:152,381,352, T>A on the plus strand (A>T on the coding strand, the complement: SYNE1 is on the minus strand). VCF-style: chr6-152381352-T-A. GRCh37 (hg19) VCF-style: chr6-152702487-T-A.
Other names: c.8684A>T, p.Asp2895Val (NM_033071.5); short protein forms D2895V, D2888V.
Identifiers: ClinVar variation 1039263 (VCV001039263.8), dbSNP rs1184722528, ClinGen allele CA366144827.

ClinVar aggregate classification (germline): Uncertain significance (1 of 4 stars; one submission).

Conditions:
Emery-Dreifuss muscular dystrophy 4, autosomal dominant (EDMD4). Also called: EMERY-DREIFUSS MUSCULAR DYSTROPHY 4 WITH VARIABLE FEATURES. Identifiers: Orphanet 261, MedGen C2751807, MONDO:0013071, OMIM 612998.
Autosomal recessive ataxia, Beauce type. Also called: Spinocerebellar ataxia, autosomal recessive 8; ATAXIA, RECESSIVE, OF BEAUCE; SYNE1 Deficiency; SYNE1-Related Autosomal Recessive Cerebellar Ataxia. Identifiers: Orphanet 88644, MedGen C1853116, MONDO:0012549, OMIM 610743.

Allele frequency attached by ClinVar (database versions not stated): gnomAD exomes below 0.00001; TOPMed below 0.00001.
gnomAD v4.1: 32 of 1,613,518 alleles (0.002%); highest among the groups gnomAD compares: Non-Finnish European, 0.0026%; no homozygotes.

Submission:

Labcorp Genetics (formerly Invitae), Labcorp
Classification: Uncertain significance for Emery-Dreifuss muscular dystrophy 4, autosomal dominant; Autosomal recessive ataxia, Beauce type. Last evaluated: 2020-10-20. Review status: criteria provided, single submitter. Criteria: Invitae Variant Classification Sherloc (09022015). Collection method: clinical testing. Allele origin: germline.
Comment: In summary, the available evidence is currently insufficient to determine the role of this variant in disease. Therefore, it has been classified as a Variant of Uncertain Significance. Algorithms developed to predict the effect of missense changes on protein structure and function (SIFT, PolyPhen-2, Align-GVGD) all suggest that this variant is likely to be disruptive, but these predictions have not been confirmed by published functional studies and their clinical significance is uncertain. This variant has not been reported in the literature in individuals with SYNE1-related conditions. This variant is not present in population databases (ExAC no frequency). This sequence change replaces aspartic acid with valine at codon 2895 of the SYNE1 protein (p.Asp2895Val). The aspartic acid residue is highly conserved and there is a large physicochemical difference between aspartic acid and valine.